The following is an entry in ClinVar:

NM_006912.6(RIT1):c.310G>A (p.Asp104Asn)

Gene: RIT1 (Ras like without CAAX 1; minus strand). Cytogenetic location: 1q22.
Variant type: single nucleotide variant.
Coding change: c.310G>A on transcript NM_006912.6 (MANE Select); coding-DNA position 310, G replaced by A.
Protein change: p.Asp104Asn; replaces aspartic acid 104 with asparagine.
Molecular consequence: missense variant.
Genome position (GRCh38, 1-based): chr1:155,904,430, C>T on the plus strand (G>A on the coding strand, the complement: RIT1 is on the minus strand). VCF-style: chr1-155904430-C-T. GRCh37 (hg19) VCF-style: chr1-155874221-C-T.
Other names: c.202G>A, p.Asp68Asn (NM_001256820.2); c.361G>A, p.Asp121Asn (NM_001256821.2); short protein forms D104N, D68N, D121N.
Identifiers: ClinVar variation 2060119 (VCV002060119.4), dbSNP rs2527180393, ClinGen allele CA342802593.

ClinVar aggregate classification (germline): Uncertain significance (1 of 4 stars; one submission).

Conditions:
Noonan syndrome 8 (NS8). Identifiers: Orphanet 648, MedGen C3809233, MONDO:0014143, OMIM 615355.

Allele frequency attached by ClinVar (database versions not stated): gnomAD exomes below 0.00001.
gnomAD v4.1: 2 of 1,614,076 alleles (0.00012%); highest among the groups gnomAD compares: Non-Finnish European, 0.00017%; no homozygotes.

Submission:

Labcorp Genetics (formerly Invitae), Labcorp
Classification: Uncertain significance for Noonan syndrome 8. Last evaluated: 2022-09-01. Review status: criteria provided, single submitter. Criteria: Invitae Variant Classification Sherloc (09022015). Collection method: clinical testing. Allele origin: germline.
Comment: In summary, the available evidence is currently insufficient to determine the role of this variant in disease. Therefore, it has been classified as a Variant of Uncertain Significance. Algorithms developed to predict the effect of missense changes on protein structure and function are either unavailable or do not agree on the potential impact of this missense change (SIFT: "Deleterious"; PolyPhen-2: "Probably Damaging"; Align-GVGD: "Class C15"). This variant has not been reported in the literature in individuals affected with RIT1-related conditions. This variant is not present in population databases (gnomAD no frequency). This sequence change replaces aspartic acid, which is acidic and polar, with asparagine, which is neutral and polar, at codon 104 of the RIT1 protein (p.Asp104Asn).